The following is an entry in ClinVar:

ClinVar aggregate classification (germline): Uncertain significance. Review status: criteria provided, multiple submitters, no conflicts (2 of 4 stars). 8 submissions from 8 submitters: Uncertain significance (7). 1 of the submissions does not count toward it. Last evaluated 2024-11-11.

Conditions:
Hereditary nonpolyposis colorectal neoplasms. Identifiers: MedGen C0009405, MeSH D003123.
Hereditary cancer-predisposing syndrome. Also called: Hereditary neoplastic syndrome; Neoplastic Syndromes, Hereditary; Tumor predisposition; Hereditary Cancer Syndrome. Identifiers: Orphanet 140162, MedGen C0027672, MeSH D009386, MONDO:0015356.
Lynch syndrome. Identifiers: Orphanet 144, MedGen C4552100, MONDO:0005835. Disease mechanism: loss of function.
Lynch syndrome 4 (LYNCH4). Also called: Hereditary non-polyposis colorectal cancer, type 4; Colorectal cancer, hereditary nonpolyposis, type 4. Identifiers: Orphanet 144, MedGen C1838333, MONDO:0013699, OMIM 614337. Disease mechanism: loss of function.

Allele frequency attached by ClinVar (database versions not stated): gnomAD exomes below 0.00001; TOPMed below 0.00001; gnomAD 0.00001.
gnomAD v4.1: 5 of 1,610,548 alleles (0.00031%); highest among the groups gnomAD compares: Non-Finnish European, 0.00042%; no homozygotes.

Submissions (8):

Labcorp Genetics (formerly Invitae), Labcorp
Classification: Uncertain significance for Hereditary nonpolyposis colorectal neoplasms. Last evaluated: 2024-11-11. Review status: criteria provided, single submitter. Criteria: Invitae Variant Classification Sherloc (09022015). Collection method: clinical testing. Allele origin: germline.
Comment: This sequence change replaces threonine, which is neutral and polar, with alanine, which is neutral and non-polar, at codon 9 of the PMS2 protein (p.Thr9Ala). This variant is present in population databases (rs786202383, gnomAD 0.0009%). This variant has not been reported in the literature in individuals affected with PMS2-related conditions. ClinVar contains an entry for this variant (Variation ID: 185695). Invitae Evidence Modeling incorporating data from in vitro experimental studies (internal data) indicates that this missense variant is not expected to disrupt PMS2 function with a negative predictive value of 95%. In summary, the available evidence is currently insufficient to determine the role of this variant in disease. Therefore, it has been classified as a Variant of Uncertain Significance.

Color Diagnostics, LLC DBA Color Health
Classification: Uncertain significance for Hereditary cancer-predisposing syndrome. Last evaluated: 2024-04-18. Review status: criteria provided, single submitter. Criteria: ACMG Guidelines, 2015. Collection method: clinical testing. Allele origin: germline.
Comment: This missense variant replaces threonine with alanine at codon 9 of the PMS2 protein. Computational prediction suggests that this variant may not impact protein structure and function (internally defined REVEL score threshold <= 0.5, PMID: 27666373). To our knowledge, functional studies have not been reported for this variant. This variant has not been reported in individuals affected with PMS2-related disorders in the literature. This variant has been identified in 1/245244 chromosomes in the general population by the Genome Aggregation Database (gnomAD). The available evidence is insufficient to determine the role of this variant in disease conclusively. Therefore, this variant is classified as a Variant of Uncertain Significance.

All of Us Research Program, National Institutes of Health
Classification: Uncertain significance for Lynch syndrome. Last evaluated: 2023-12-01. Review status: criteria provided, single submitter. Criteria: ACMG Guidelines, 2015. Collection method: clinical testing. Allele origin: germline. Inheritance: Autosomal dominant inheritance. Observed: 2 variant alleles, 2 heterozygotes.
Comment: This missense variant replaces threonine with alanine at codon 9 of the PMS2 protein. Computational prediction suggests that this variant may not impact protein structure and function (internally defined REVEL score threshold <= 0.5, PMID: 27666373). To our knowledge, functional studies have not been reported for this variant. This variant has not been reported in individuals affected with PMS2-related disorders in the literature. This variant has been identified in 1/245244 chromosomes in the general population by the Genome Aggregation Database (gnomAD). The available evidence is insufficient to determine the role of this variant in disease conclusively. Therefore, this variant is classified as a Variant of Uncertain Significance.

This study involves interpretation of variants in research participants for the purpose of population health screening. Participant phenotype was not available at the time of variant classification. Additional details can be found in publication PMID: 35346344, PMCID: PMC8962531

Myriad Genetics, Inc.
Classification: Uncertain significance for Lynch syndrome 4. Last evaluated: 2023-04-04. Review status: criteria provided, single submitter. Criteria: Myriad Autosomal Dominant, Autosomal Recessive and X-Linked Classification Criteria (2023). Collection method: clinical testing. Allele origin: unknown.
Comment: This variant is classified as a variant of uncertain significance as there is insufficient evidence to determine its impact on protein function and/or cancer risk.

GeneDx
Classification: Uncertain significance. Last evaluated: 2022-10-27. Review status: criteria provided, single submitter. Criteria: GeneDx Variant Classification Process June 2021. Collection method: clinical testing. Allele origin: germline. Affected: yes.
Comment: In silico analysis supports that this missense variant does not alter protein structure/function; Has not been previously published as pathogenic or benign to our knowledge; This variant is associated with the following publications: (PMID: 11574484)

Ambry Genetics
Classification: Uncertain significance for Hereditary cancer-predisposing syndrome. Last evaluated: 2022-04-12. Review status: criteria provided, single submitter. Criteria: Ambry Variant Classification Scheme 2023. Collection method: clinical testing. Allele origin: germline.
Comment: The p.T9A variant (also known as c.25A>G), located in coding exon 2 of the PMS2 gene, results from an A to G substitution at nucleotide position 25. The threonine at codon 9 is replaced by alanine, an amino acid with similar properties. This amino acid position is not well conserved in available vertebrate species, and alanine is the reference amino acid in other vertebrate species. In addition, this alteration is predicted to be tolerated by in silico analysis. Since supporting evidence is limited at this time, the clinical significance of this alteration remains unclear.

Illumina Laboratory Services, Illumina
Classification: Uncertain significance for Lynch syndrome 4. Last evaluated: 2018-01-12. Review status: criteria provided, single submitter. Criteria: ICSL Variant Classification Criteria 13 December 2019. Collection method: clinical testing. Allele origin: germline.

Counsyl
Classification: Uncertain significance for Lynch syndrome 4. Last evaluated: 2016-10-31. Review status: no assertion criteria provided. Collection method: clinical testing. Allele origin: unknown. Not counted in ClinVar's aggregate classification.

NM_000535.7(PMS2):c.25A>G (p.Thr9Ala)

Gene: PMS2 (PMS1 homolog 2, mismatch repair system component; minus strand). Cytogenetic location: 7p22.1.
Variant type: single nucleotide variant.
Coding change: c.25A>G on transcript NM_000535.7 (MANE Select); coding-DNA position 25, A replaced by G.
Protein change: p.Thr9Ala; replaces threonine 9 with alanine.
Molecular consequence: missense variant. On other transcripts: 5 prime UTR variant (3), non-coding transcript variant (1), intron variant (8).
Genome position (GRCh38, 1-based): chr7:6,006,030, T>C on the plus strand (A>G on the coding strand, the complement: PMS2 is on the minus strand). VCF-style: chr7-6006030-T-C. GRCh37 (hg19) VCF-style: chr7-6045661-T-C.
Other names: c.-381A>G (NM_001322005.2); c.25A>G, p.Thr9Ala (NM_001322006.2, NM_001322014.2); c.-191A>G (NM_001322007.2); c.-860A>G (NM_001322011.2); c.-52-1972A>G (NM_001322008.2); c.-242-1972A>G (NM_001322010.2, NM_001322004.2); c.-377-4A>G (NM_001322013.2, NM_001322003.2, NM_001322009.2); c.-856-4A>G (NM_001322012.2); and 1 more; short protein forms T9A.
Identifiers: ClinVar variation 185695 (VCV000185695.27), dbSNP rs786202383, ClinGen allele CA011745.